The following is an entry in ClinVar:

NM_002180.3(IGHMBP2):c.1346del (p.Met449fs)

Gene: IGHMBP2 (immunoglobulin mu DNA binding protein 2; plus strand). Cytogenetic location: 11q13.3.
Variant type: Deletion.
Coding change: c.1346del on transcript NM_002180.3 (MANE Select); coding-DNA position 1346, one base deleted (T; older notation c.1346delT).
Protein change: p.Met449fs; shifts the reading frame from methionine 449.
Molecular consequence: frameshift variant.
Genome position (GRCh38, 1-based): chr11:68,933,409, T deleted. VCF-style (leftmost placement, unchanged base first): chr11-68933408-AT-A. GRCh37 (hg19) VCF-style: chr11-68700876-AT-A.
Other names: c.1346delT (NM_002180.2); short protein forms M449fs.
Identifiers: ClinVar variation 243079 (VCV000243079.1), dbSNP rs879253865, ClinGen allele CA10584087.

ClinVar aggregate classification (germline): Pathogenic (1 of 4 stars; one submission).

Conditions:
Autosomal recessive distal spinal muscular atrophy 1. Also called: HMN VI; NEURONOPATHY, SEVERE INFANTILE AXONAL, WITH RESPIRATORY FAILURE; NEURONOPATHY, DISTAL HEREDITARY MOTOR, HARDING TYPE VI; NEUROPATHY, DISTAL HEREDITARY MOTOR, AUTOSOMAL RECESSIVE 1; SEVERE INFANTILE AXONAL NEUROPATHY WITH RESPIRATORY FAILURE; SPINAL MUSCULAR ATROPHY, DIAPHRAGMATIC. Identifiers: Orphanet 98920, MedGen C1858517, MONDO:0011436, OMIM 604320.

Submission:

Lupski Lab, Baylor-Hopkins CMG, Baylor College of Medicine
Classification: Pathogenic for Autosomal recessive distal spinal muscular atrophy 1. Last evaluated: 2015-08-18. Review status: criteria provided, single submitter. Criteria: Gonzaga-Jauregui et al. (Cell Rep. 2015). Collection method: research. Allele origin: paternal. Inheritance: Autosomal recessive inheritance. Affected: yes. Observed: 1 variant allele, 1 compound heterozygote.
Comment: This variant is predicted deleterious according to ACMG guidelines.